The following is an entry in ClinVar:

NM_001145715.3(KPNA7):c.1013A>T (p.Lys338Met)

Gene: KPNA7 (karyopherin subunit alpha 7; minus strand). Cytogenetic location: 7q22.1.
Variant type: single nucleotide variant.
Coding change: c.1013A>T on transcript NM_001145715.3 (MANE Select); coding-DNA position 1013, A replaced by T.
Protein change: p.Lys338Met; replaces lysine 338 with methionine.
Molecular consequence: missense variant.
Genome position (GRCh38, 1-based): chr7:99,185,050, T>A on the plus strand (A>T on the coding strand, the complement: KPNA7 is on the minus strand). VCF-style: chr7-99185050-T-A. GRCh37 (hg19) VCF-style: chr7-98782673-T-A.
Other names: short protein forms K338M.
Identifiers: ClinVar variation 838144 (VCV000838144.10), dbSNP rs1789505121, ClinGen allele CA368419311.
Genomic context (GRCh38, chr7:99,185,050, plus strand): 5'-TGACAAGGCCCCGCTGCTACGTTGCTCAGGGCCCAGGCTGCCTCCTTCTGGATGGAGGGC[T>A]TGTTGTGTTGCAGGAGCTGGGGGAGCACGTTCAGCATACCCGCATCAATGGCCATCTGCG-3'
Protein context (NP_001139187.1, residues 328-348): NVLPQLLQHN[Lys338Met]PSIQKEAAWA

ClinVar aggregate classification (germline): Uncertain significance (1 of 4 stars; one submission).

Submission:

Labcorp Genetics (formerly Invitae), Labcorp
Classification: Uncertain significance. Last evaluated: 2019-11-26. Review status: criteria provided, single submitter. Criteria: Invitae Variant Classification Sherloc (09022015). Collection method: clinical testing. Allele origin: germline.
Comment: This sequence change replaces lysine with methionine at codon 338 of the KPNA7 protein (p.Lys338Met). The lysine residue is highly conserved and there is a moderate physicochemical difference between lysine and methionine. In summary, the available evidence is currently insufficient to determine the role of this variant in disease. Therefore, it has been classified as a Variant of Uncertain Significance. Algorithms developed to predict the effect of missense changes on protein structure and function are either unavailable or do not agree on the potential impact of this missense change (SIFT: "Deleterious"; PolyPhen-2: "Possibly Damaging"; Align-GVGD: "Class C0"). This variant has not been reported in the literature in individuals with KPNA7-related conditions. This variant is not present in population databases (ExAC no frequency).